The following is an entry in ClinVar:

NM_001360016.2(G6PD):c.-17G>T

Genes: G6PD (glucose-6-phosphate dehydrogenase; minus strand), IKBKG (inhibitor of nuclear factor kappa B kinase regulatory subunit gamma; plus strand), LOC107181288 (origin of replication in promoter of G6PD; plus strand), LOC129929052 (ATAC-STARR-seq lymphoblastoid silent region 21114; plus strand). Cytogenetic location: Xq28.
Variant type: single nucleotide variant.
Coding change: c.-17G>T on transcript NM_001360016.2 (MANE Select); 17 bases upstream of the start codon, G replaced by T.
Molecular consequence: 5 prime UTR variant. On other transcripts: missense variant (1), intron variant (5).
Genome position (GRCh38, 1-based): chrX:154,546,797, C>A on the plus strand (G>T on the coding strand, the complement: G6PD is on the minus strand). VCF-style: chrX-154546797-C-A. GRCh37 (hg19) VCF-style: chrX-153775012-C-A.
Other names: c.74G>T, p.Arg25Leu (NM_000402.4); c.-8-634G>T (NM_001042351.3); c.-15-5191C>A (NM_001377312.1, NM_001377313.1); c.189+4345C>A (NM_001099856.6); c.-16+4410C>A (NM_001321396.3); short protein forms R25L.
Identifiers: ClinVar variation 2628726 (VCV002628726.2), dbSNP rs1712737911, ClinGen allele CA415202833.

ClinVar aggregate classification (germline): Uncertain significance (0 of 4 stars; one submission).

Conditions:
G6PD-related disorder. Also called: G6PD-related condition.

Allele frequency attached by ClinVar (database versions not stated): gnomAD exomes below 0.00001.
gnomAD v4.1: 2 of 1,160,504 alleles (0.00017%); highest among the groups gnomAD compares: Middle Eastern, 0.023%; no homozygotes.

Submission:

PreventionGenetics, part of Exact Sciences
Classification: Uncertain significance for G6PD-related condition. Last evaluated: 2024-04-05. Review status: no assertion criteria provided. Collection method: clinical testing. Allele origin: germline.
Comment: The G6PD c.74G>T variant is predicted to result in the amino acid substitution p.Arg25Leu. In an alternate transcript (NM_001042351.2), this variant is found within a non-coding region (c.-8-634G>T). To our knowledge, this variant has not been reported in the literature or in a large population database, indicating this variant is rare. At this time, the clinical significance of this variant is uncertain due to the absence of conclusive functional and genetic evidence.